The following is an entry in ClinVar:

NM_032578.4(MYPN):c.2926-178G>A

Gene: MYPN (myopalladin; plus strand). Cytogenetic location: 10q21.3.
Variant type: single nucleotide variant.
Coding change: c.2926-178G>A on transcript NM_032578.4 (MANE Select); 178 bases into the intron before coding-DNA position 2926, G replaced by A.
Molecular consequence: intron variant.
Genome position (GRCh38, 1-based): chr10:68,194,185, G>A. VCF-style: chr10-68194185-G-A. GRCh37 (hg19) VCF-style: chr10-69953942-G-A.
Other names: c.2926-178G>A (NM_001256267.2); c.2044-178G>A (NM_001256268.2).
Identifiers: ClinVar variation 672839 (VCV000672839.2), dbSNP rs1900012, ClinGen allele CA16393244.

ClinVar aggregate classification (germline): Benign. Review status: criteria provided, multiple submitters, no conflicts (2 of 4 stars). 2 submissions from 2 submitters: Benign (2). Last evaluated 2018-06-16.

Allele frequency attached by ClinVar (database versions not stated): 1000 Genomes Project 30x 0.47314; 1000 Genomes Project 0.47424; TOPMed 0.52456; gnomAD 0.54203 and 0.54285.
gnomAD v4.1: 82,320 of 151,518 alleles (54%); highest among the groups gnomAD compares: Non-Finnish European, 64%; 23,913 homozygotes.

Submissions (2):

GeneDx
Classification: Benign. Last evaluated: 2018-06-16. Review status: criteria provided, single submitter. Criteria: GeneDx Variant Classification (06012015). Collection method: clinical testing. Allele origin: germline. Affected: yes.
Comment: This variant is considered likely benign or benign based on one or more of the following criteria: it is a conservative change, it occurs at a poorly conserved position in the protein, it is predicted to be benign by multiple in silico algorithms, and/or has population frequency not consistent with disease.

Breakthrough Genomics
Classification: Benign. Review status: criteria provided, single submitter. Criteria: ACMG Guidelines, 2015. Collection method: not provided. Allele origin: germline. Inheritance: Autosomal recessive inheritance. Affected: yes.